The following is an entry in ClinVar:

ClinVar aggregate classification (germline): Pathogenic. Review status: criteria provided, single submitter (1 of 4 stars). 3 submissions from 3 submitters: Pathogenic (1). 2 of the submissions do not count toward it. Last evaluated 2023-06-07.

Conditions:
ARG1-related disorder. Also called: ARG1-related condition.
Arginase deficiency. Also called: ARGININEMIA; ARG1 DEFICIENCY; Arginase 1 Deficiency. Identifiers: Orphanet 90, MedGen C0268548, MONDO:0008814, OMIM 207800.

Submissions (3):

Labcorp Genetics (formerly Invitae), Labcorp
Classification: Pathogenic for Arginase deficiency. Last evaluated: 2023-06-07. Review status: criteria provided, single submitter. Criteria: Invitae Variant Classification Sherloc (09022015). Collection method: clinical testing. Allele origin: germline.
Comment: This sequence change creates a premature translational stop signal (p.Glu44Serfs*4) in the ARG1 gene. It is expected to result in an absent or disrupted protein product. Loss-of-function variants in ARG1 are known to be pathogenic (PMID: 7649538, 12052859). This variant is not present in population databases (gnomAD no frequency). This premature translational stop signal has been observed in individual(s) with arginase deficiency (Invitae). ClinVar contains an entry for this variant (Variation ID: 557931). For these reasons, this variant has been classified as Pathogenic.

PreventionGenetics, part of Exact Sciences
Classification: Pathogenic for ARG1-related condition. Last evaluated: 2024-02-28. Review status: no assertion criteria provided. Collection method: clinical testing. Allele origin: germline. Not counted in ClinVar's aggregate classification.
Comment: The ARG1 c.129delA variant is predicted to result in a frameshift and premature protein termination (p.Gln43Glnfs*5). To our knowledge this variant has not been reported in the literature or in a large population database, indicating this variant is rare. Frameshift variants in ARG1 are expected to be pathogenic. This variant is interpreted as pathogenic.

Counsyl
Classification: Likely pathogenic for Arginase deficiency. Last evaluated: 2018-04-17. Review status: no assertion criteria provided. Collection method: clinical testing. Allele origin: unknown. Not counted in ClinVar's aggregate classification.

Literature cited by the submitters: PubMed 7649538 (cited by Labcorp Genetics (formerly Invitae), Labcorp); PubMed 12052859 (cited by Labcorp Genetics (formerly Invitae), Labcorp).

NM_000045.4(ARG1):c.129del (p.Glu44fs)

Genes: ARG1 (arginase 1; plus strand), MED23 (mediator complex subunit 23; minus strand). Cytogenetic location: 6q23.2.
Variant type: Deletion.
Coding change: c.129del on transcript NM_000045.4 (MANE Select); coding-DNA position 129, one base deleted (A; older notation c.129delA).
Protein change: p.Glu44fs; shifts the reading frame from glutamic acid 44.
Molecular consequence: frameshift variant. On other transcripts: intron variant (2).
Genome position (GRCh38, 1-based): chr6:131,576,734, A deleted; the last of 2 consecutive A bases (chr6:131,576,733-131,576,734); deleting either gives the same sequence. VCF-style (leftmost placement, unchanged base first): chr6-131576732-CA-C. GRCh37 (hg19) VCF-style: chr6-131897872-CA-C.
Other names: c.129del, p.Gln43_Val44insTer (NM_001244438.2); c.129del, p.Glu44fs (NM_001369020.1); c.4078-2438del (NM_001270521.2); c.4096-2438del (NM_015979.4); short protein forms E44fs.
Identifiers: ClinVar variation 557931 (VCV000557931.53), dbSNP rs1169538148, ClinGen allele CA658821322.